The following is an entry in ClinVar:

ClinVar aggregate classification (germline): Uncertain significance (1 of 4 stars; one submission).

gnomAD v4.1: 1 of 1,608,816 alleles (0.000062%); highest among the groups gnomAD compares: Admixed American, 0.0017%; no homozygotes.

Submission:

GeneDx
Classification: Uncertain significance. Last evaluated: 2026-10-10. Review status: criteria provided, single submitter. Criteria: GeneDx Variant Classification Process June 2021. Collection method: clinical testing. Allele origin: germline.
Comment: Not observed at significant frequency in large population cohorts (gnomAD); In silico analysis supports that this missense variant has a deleterious effect on protein structure/function; Has not been previously published as pathogenic or benign to our knowledge

NM_001127222.2(CACNA1A):c.3121G>A (p.Gly1041Ser)

Gene: CACNA1A (calcium voltage-gated channel subunit alpha1 A; minus strand). Cytogenetic location: 19p13.13.
Variant type: single nucleotide variant.
Coding change: c.3121G>A on transcript NM_001127222.2 (MANE Select); coding-DNA position 3121, G replaced by A.
Protein change: p.Gly1041Ser; replaces glycine 1041 with serine.
Molecular consequence: missense variant.
Genome position (GRCh38, 1-based): chr19:13,286,935, C>T on the plus strand (G>A on the coding strand, the complement: CACNA1A is on the minus strand). VCF-style: chr19-13286935-C-T. GRCh37 (hg19) VCF-style: chr19-13397749-C-T.
Other names: c.3133G>A, p.Gly1045Ser (NM_000068.4, NM_023035.3); c.3124G>A, p.Gly1042Ser (NM_001127221.2, NM_001174080.2); short protein forms G1041S, G1042S, G1045S.
Identifiers: ClinVar variation 3572778 (VCV003572778.2).
Genomic context (GRCh38, chr19:13,286,935, plus strand): 5'-GGGGTGGGTCTTGGCGGCCCAGGTCCTGCTGGATTGGCCGGGTGGTTGACAGGTTGGGGC[C>T]CGACACAGGGACCCCGGAGCCCTGGTTCTCTCTGAGGAAGGCAAGTGAATGAAAAAGAAC-3'
Protein context (NP_001120694.1, residues 1031-1051): ENQGSGVPVS[Gly1041Ser]PNLSTTRPIQ